The following is an entry in ClinVar:

NM_032043.3(BRIP1):c.1343G>T (p.Trp448Leu)

Gene: BRIP1 (BRCA1 interacting DNA helicase 1; minus strand). Cytogenetic location: 17q23.2.
Variant type: single nucleotide variant.
Coding change: c.1343G>T on transcript NM_032043.3 (MANE Select); coding-DNA position 1343, G replaced by T.
Protein change: p.Trp448Leu; replaces tryptophan 448 with leucine.
Molecular consequence: missense variant.
Genome position (GRCh38, 1-based): chr17:61,793,727, C>A on the plus strand (G>T on the coding strand, the complement: BRIP1 is on the minus strand). VCF-style: chr17-61793727-C-A. GRCh37 (hg19) VCF-style: chr17-59871088-C-A.
Other names: short protein forms W448L.
Identifiers: ClinVar variation 568533 (VCV000568533.7), dbSNP rs775171520, ClinGen allele CA400482350.

ClinVar aggregate classification (germline): Uncertain significance (1 of 4 stars; one submission).

Conditions:
Fanconi anemia complementation group J. Also called: BRIP1-Related Fanconi Anemia. Identifiers: Orphanet 84, MedGen C1836860, MONDO:0012187, OMIM 609054.
Familial cancer of breast. Also called: Hereditary breast cancer; BREAST CANCER, FAMILIAL; hereditary breast carcinoma. Identifiers: Orphanet 227535, MedGen C0346153, MONDO:0016419, OMIM 114480. Disease mechanism: loss of function.

Submission:

Labcorp Genetics (formerly Invitae), Labcorp
Classification: Uncertain significance for Familial cancer of breast; Fanconi anemia complementation group J. Last evaluated: 2021-08-28. Review status: criteria provided, single submitter. Criteria: Invitae Variant Classification Sherloc (09022015). Collection method: clinical testing. Allele origin: germline.
Comment: This sequence change replaces tryptophan with leucine at codon 448 of the BRIP1 protein (p.Trp448Leu). The tryptophan residue is highly conserved and there is a small physicochemical difference between tryptophan and leucine. This variant is not present in population databases (ExAC no frequency). This variant has not been reported in the literature in individuals affected with BRIP1-related conditions. Algorithms developed to predict the effect of missense changes on protein structure and function are either unavailable or do not agree on the potential impact of this missense change (SIFT: "Tolerated"; PolyPhen-2: "Probably Damaging"; Align-GVGD: "Class C0"). In summary, the available evidence is currently insufficient to determine the role of this variant in disease. Therefore, it has been classified as a Variant of Uncertain Significance.